The following is an entry in ClinVar:

ClinVar aggregate classification (germline): Benign/Likely benign. Review status: criteria provided, multiple submitters, no conflicts (2 of 4 stars). 5 submissions from 5 submitters: Benign (1); Likely benign (3). 1 of the submissions does not count toward it. Last evaluated 2026-01-27.

Conditions:
BAP1-related disorder. Also called: BAP1-related condition.
Hereditary cancer-predisposing syndrome. Also called: Neoplastic Syndromes, Hereditary; Tumor predisposition; Hereditary neoplastic syndrome; Hereditary Cancer Syndrome. Identifiers: Orphanet 140162, MedGen C0027672, MeSH D009386, MONDO:0015356.
BAP1-related tumor predisposition syndrome (TPDS1). Also called: Tumor susceptibility linked to germline BAP1 mutations; BAP1 tumor predisposition syndrome; TUMOR PREDISPOSITION SYNDROME 1; COMMON Syndrome. Identifiers: Orphanet 289539, MedGen C3280492, MONDO:0013692, OMIM 614327.

Allele frequency attached by ClinVar (database versions not stated): ExAC 0.00005; gnomAD 0.00005 and 0.00006; gnomAD exomes 0.00005 and 0.00016; TOPMed 0.00008; 1000 Genomes Project 0.00020; 1000 Genomes Project 30x 0.00031.
gnomAD v4.1: 229 of 1,612,698 alleles (0.014%); highest among the groups gnomAD compares: Non-Finnish European, 0.019%; no homozygotes.

Submissions (5):

Labcorp Genetics (formerly Invitae), Labcorp
Classification: Likely benign for BAP1-related tumor predisposition syndrome. Last evaluated: 2026-01-27. Review status: criteria provided, single submitter. Criteria: Invitae Variant Classification Sherloc (09022015). Collection method: clinical testing. Allele origin: germline.

Myriad Genetics, Inc.
Classification: Benign for BAP1-related tumor predisposition syndrome. Last evaluated: 2024-07-15. Review status: criteria provided, single submitter. Criteria: Myriad Autosomal Dominant, Autosomal Recessive and X-Linked Classification Criteria (2023). Collection method: clinical testing. Allele origin: unknown.
Comment: This variant is considered benign. This variant is intronic and is not expected to impact mRNA splicing. This variant has been observed at a population frequency that is significantly greater than expected given the associated disease prevalence and penetrance.

Illumina Laboratory Services, Illumina
Classification: Likely benign for BAP1-related tumor predisposition syndrome. Last evaluated: 2018-01-12. Review status: criteria provided, single submitter. Criteria: ICSL Variant Classification Criteria 13 December 2019. Collection method: clinical testing. Allele origin: germline.
Comment: This variant was observed in the ICSL laboratory as part of a predisposition screen in an ostensibly healthy population. It had not been previously curated by ICSL or reported in the Human Gene Mutation Database (HGMD: prior to June 1st, 2018), and was therefore a candidate for classification through an automated scoring system. Utilizing variant allele frequency, disease prevalence and penetrance estimates, and inheritance mode, an automated score was calculated to assess if this variant is too frequent to cause the disease. Based on the score and internal cut-off values, a variant classified as likely benign is not then subjected to further curation. The score for this variant resulted in a classification of likely benign for this disease.

Color Diagnostics, LLC DBA Color Health
Classification: Likely benign for Hereditary cancer-predisposing syndrome. Last evaluated: 2016-06-08. Review status: criteria provided, single submitter. Criteria: ACMG Guidelines, 2015. Collection method: clinical testing. Allele origin: germline.

PreventionGenetics, part of Exact Sciences
Classification: Likely benign for BAP1-related condition. Last evaluated: 2023-07-28. Review status: no assertion criteria provided. Collection method: clinical testing. Allele origin: germline. Not counted in ClinVar's aggregate classification.
Comment: This variant is classified as likely benign based on ACMG/AMP sequence variant interpretation guidelines (Richards et al. 2015 PMID: 25741868, with internal and published modifications).

NM_004656.4(BAP1):c.931+10G>C

Gene: BAP1 (BRCA1 associated deubiquitinase 1; minus strand). Cytogenetic location: 3p21.1.
Variant type: single nucleotide variant.
Coding change: c.931+10G>C on transcript NM_004656.4 (MANE Select); 10 bases into the intron after coding-DNA position 931, G replaced by C.
Molecular consequence: intron variant.
Genome position (GRCh38, 1-based): chr3:52,405,755, C>G on the plus strand (G>C on the coding strand, the complement: BAP1 is on the minus strand). VCF-style: chr3-52405755-C-G. GRCh37 (hg19) VCF-style: chr3-52439771-C-G.
Other names: c.931+10G>C (LRG_529t1).
Identifiers: ClinVar variation 346121 (VCV000346121.19), dbSNP rs199560386, ClinGen allele CA2436969.